The following is an entry in ClinVar:

ClinVar aggregate classification (germline): Uncertain significance (1 of 4 stars; one submission).

Conditions:
Adenylosuccinate lyase deficiency (ADSLD). Also called: ADSL DEFICIENCY. Identifiers: Orphanet 46, MedGen C0268126, MONDO:0007068, OMIM 103050.

Submission:

Labcorp Genetics (formerly Invitae), Labcorp
Classification: Uncertain significance for Adenylosuccinate lyase deficiency. Last evaluated: 2024-05-22. Review status: criteria provided, single submitter. Criteria: Invitae Variant Classification Sherloc (09022015). Collection method: clinical testing. Allele origin: germline.
Comment: This variant, c.1431_1436del, results in the deletion of 2 amino acid(s) of the ADSL protein (p.Val478_Lys479del), but otherwise preserves the integrity of the reading frame. This variant is not present in population databases (gnomAD no frequency). This variant has not been reported in the literature in individuals affected with ADSL-related conditions. ClinVar contains an entry for this variant (Variation ID: 2007647). Experimental studies and prediction algorithms are not available or were not evaluated, and the functional significance of this variant is currently unknown. In summary, the available evidence is currently insufficient to determine the role of this variant in disease. Therefore, it has been classified as a Variant of Uncertain Significance.

NM_000026.4(ADSL):c.1431_1436del (p.Val478_Lys479del)

Gene: ADSL (adenylosuccinate lyase; plus strand). Cytogenetic location: 22q13.1.
Variant type: Deletion.
Coding change: c.1431_1436del on transcript NM_000026.4 (MANE Select); coding-DNA positions 1431 to 1436, 6 bases deleted (GGTGAA; older notation c.1431_1436delGGTGAA).
Protein change: p.Val478_Lys479del.
Molecular consequence: inframe deletion. On other transcripts: inframe indel (1), non-coding transcript variant (1), splice donor variant (1).
Genome position (GRCh38, 1-based): chr22:40,366,498-40,366,503, GGTGAA deleted; deleting any 6 consecutive bases within chr22:40,366,494-40,366,503 gives the same sequence; the c. name uses the placement nearest the transcript's 3' end. VCF-style (leftmost placement, unchanged base first): chr22-40366493-ATGAAGG-A. GRCh37 (hg19) VCF-style: chr22-40762497-ATGAAGG-A.
Other names: c.1254_1259del, p.Val419_Lys420del (NM_001123378.3); c.1239_1244del, p.Val414_Lys415del (NM_001317923.2); c.1386_1391delGGTGAA, p.Val463_Lys464del (NM_001410814.1); c.1431_1431+5del (NM_001363840.3).
Identifiers: ClinVar variation 2007647 (VCV002007647.4), dbSNP rs2518134192, ClinGen allele CA2580099859.